The following is an entry in ClinVar:

ClinVar aggregate classification (germline): Uncertain significance (1 of 4 stars; one submission).

Conditions:
Atrial fibrillation, familial, 18 (ATFB18). Identifiers: MedGen C4310636, MONDO:0015001, OMIM 617280.

Allele frequency attached by ClinVar (database versions not stated): gnomAD exomes below 0.00001 and 0.00001; ExAC 0.00002; gnomAD 0.00002; TOPMed 0.00003; ESP Exome Variant Server 0.00008.
gnomAD v4.1: 4 of 1,614,028 alleles (0.00025%); highest among the groups gnomAD compares: African/African-American, 0.0053%; no homozygotes.

Submission:

Labcorp Genetics (formerly Invitae), Labcorp
Classification: Uncertain significance for Atrial fibrillation, familial, 18. Last evaluated: 2025-11-08. Review status: criteria provided, single submitter. Criteria: Invitae Variant Classification Sherloc (09022015). Collection method: clinical testing. Allele origin: germline.
Comment: This sequence change replaces isoleucine, which is neutral and non-polar, with threonine, which is neutral and polar, at codon 123 of the MYL4 protein (p.Ile123Thr). This variant is present in population databases (rs141766103, gnomAD 0.008%). This variant has not been reported in the literature in individuals affected with MYL4-related conditions. ClinVar contains an entry for this variant (Variation ID: 1382400). An algorithm developed to predict the effect of missense changes on protein structure and function (PolyPhen-2) suggests that this variant is likely to be tolerated. In summary, the available evidence is currently insufficient to determine the role of this variant in disease. Therefore, it has been classified as a Variant of Uncertain Significance.

NM_002476.2(MYL4):c.368T>C (p.Ile123Thr)

Gene: MYL4 (myosin light chain 4; plus strand). Cytogenetic location: 17q21.32.
Variant type: single nucleotide variant.
Coding change: c.368T>C on transcript NM_002476.2 (MANE Select); coding-DNA position 368, T replaced by C.
Protein change: p.Ile123Thr; replaces isoleucine 123 with threonine.
Molecular consequence: missense variant.
Genome position (GRCh38, 1-based): chr17:47,221,736, T>C. VCF-style: chr17-47221736-T-C. GRCh37 (hg19) VCF-style: chr17-45299102-T-C.
Other names: c.368T>C, p.Ile123Thr (NM_001002841.2); short protein forms I123T.
Identifiers: ClinVar variation 1382400 (VCV001382400.8), dbSNP rs141766103, ClinGen allele CA8622729.
Genomic context (GRCh38, chr17:47,221,736, plus strand): 5'-CTGAAGAGATGAATGTCAAGATGCTGGACTTTGAGACGTTCTTGCCCATCCTGCAGCACA[T>C]TTCCCGCAACAAGGAGCAGGGCACCTATGAGGACTTCGTGGAGGGCCTGCGTGTCTTTGA-3'
Protein context (NP_002467.1, residues 113-133): FETFLPILQH[Ile123Thr]SRNKEQGTYE